The following is an entry in ClinVar:

NM_000327.4(ROM1):c.342C>T (p.Leu114=)

Gene: ROM1 (retinal outer segment membrane protein 1; plus strand). Cytogenetic location: 11q12.3.
Variant type: single nucleotide variant.
Coding change: c.342C>T on transcript NM_000327.4 (MANE Select); coding-DNA position 342, C replaced by T.
Protein change: p.Leu114=; no amino-acid change (leucine 114 retained).
Molecular consequence: synonymous variant.
Genome position (GRCh38, 1-based): chr11:62,613,623, C>T. VCF-style: chr11-62613623-C-T. GRCh37 (hg19) VCF-style: chr11-62381095-C-T.
Identifiers: ClinVar variation 285035 (VCV000285035.20), dbSNP rs537377404, ClinGen allele CA6049718.

ClinVar aggregate classification (germline): Benign/Likely benign. Review status: criteria provided, multiple submitters, no conflicts (2 of 4 stars). 5 submissions from 5 submitters: Benign (2); Likely benign (2). 1 of the submissions does not count toward it. Last evaluated 2025-07-23.

Conditions:
ROM1-related disorder. Also called: ROM1-related condition.
Retinitis pigmentosa (RP). Identifiers: Orphanet 791, MedGen C0035334, MeSH D012174, MONDO:0019200, OMIM 268000. Inheritance: Autosomal dominant, autosomal recessive and X linked inheritance.

Allele frequency attached by ClinVar (database versions not stated): TOPMed 0.00009; 1000 Genomes Project 30x 0.00016; 1000 Genomes Project 0.00020; gnomAD 0.00045 and 0.00049; gnomAD exomes 0.00050; ExAC 0.00062.
gnomAD v4.1: 536 of 1,612,962 alleles (0.033%); highest among the groups gnomAD compares: Non-Finnish European, 0.016%; no homozygotes.

Submissions (5):

Labcorp Genetics (formerly Invitae), Labcorp
Classification: Benign. Last evaluated: 2025-07-23. Review status: criteria provided, single submitter. Criteria: Invitae Variant Classification Sherloc (09022015). Collection method: clinical testing. Allele origin: germline.

Blueprint Genetics
Classification: Likely benign. Last evaluated: 2024-11-19. Review status: criteria provided, single submitter. Criteria: ACMG Guidelines, 2015. Collection method: clinical testing. Allele origin: germline.

Illumina Laboratory Services, Illumina
Classification: Benign for Retinitis pigmentosa. Last evaluated: 2017-04-28. Review status: criteria provided, single submitter. Criteria: ICSL Variant Classification Criteria 13 December 2019. Collection method: clinical testing. Allele origin: germline.
Comment: This variant was observed as part of a predisposition screen in an ostensibly healthy population. A literature search was performed for the gene, cDNA change, and amino acid change (where applicable). No publications were found based on this search. Allele frequency data from public databases was too high to be consistent with this variant causing disease. Therefore, this variant is classified as benign.

Eurofins Ntd Llc (ga)
Classification: Likely benign. Last evaluated: 2015-12-10. Review status: criteria provided, single submitter. Criteria: EGL Classification Definitions 2015. Collection method: clinical testing. Allele origin: germline. Observed: 1 variant allele, 1 heterozygote.

PreventionGenetics, part of Exact Sciences
Classification: Likely benign for ROM1-related condition. Last evaluated: 2019-05-06. Review status: no assertion criteria provided. Collection method: clinical testing. Allele origin: germline. Not counted in ClinVar's aggregate classification.
Comment: This variant is classified as likely benign based on ACMG/AMP sequence variant interpretation guidelines (Richards et al. 2015 PMID: 25741868, with internal and published modifications).